The following is an entry in ClinVar:

NM_021072.4(HCN1):c.1610_1613del (p.Tyr537fs)

Gene: HCN1 (hyperpolarization activated cyclic nucleotide gated potassium channel 1; minus strand). Cytogenetic location: 5p12.
Variant type: Deletion.
Coding change: c.1610_1613del on transcript NM_021072.4 (MANE Select); coding-DNA positions 1610 to 1613, 4 bases deleted (ACTT; older notation c.1610_1613delACTT).
Protein change: p.Tyr537fs; shifts the reading frame from tyrosine 537.
Molecular consequence: frameshift variant.
Genome position (GRCh38, 1-based): chr5:45,303,604-45,303,607, AAGT deleted on the plus strand (ACTT on the coding strand, the reverse complement: HCN1 is on the minus strand); deleting any 4 consecutive bases within chr5:45,303,604-45,303,610 gives the same sequence; the c. name uses the placement nearest the transcript's 3' end. VCF-style (leftmost placement, unchanged base first): chr5-45303603-AAAGT-A. GRCh37 (hg19) VCF-style: chr5-45303705-AAAGT-A.
Other names: short protein forms Y537fs.
Identifiers: ClinVar variation 1479904 (VCV001479904.2), dbSNP rs2111904787, ClinGen allele CA2573139705.

ClinVar aggregate classification (germline): Uncertain significance (1 of 4 stars; one submission).

Conditions:
Developmental and epileptic encephalopathy. Identifiers: MedGen C5779964, MONDO:0100620.

Submission:

Labcorp Genetics (formerly Invitae), Labcorp
Classification: Uncertain significance for Early-infantile DEE. Last evaluated: 2020-10-29. Review status: criteria provided, single submitter. Criteria: Invitae Variant Classification Sherloc (09022015). Collection method: clinical testing. Allele origin: germline.
Comment: This sequence change creates a premature translational stop signal (p.Tyr537Leufs*7) in the HCN1 gene. It is expected to result in an absent or disrupted protein product. However, the current clinical and genetic evidence is not sufficient to establish whether loss-of-function variants in HCN1 cause disease. This variant is not present in population databases (ExAC no frequency). This variant has not been reported in the literature in individuals with HCN1-related conditions. In summary, the available evidence is currently insufficient to determine the role of this variant in disease. Therefore, it has been classified as a Variant of Uncertain Significance.